The following is an entry in ClinVar:

ClinVar aggregate classification (germline): Uncertain significance. Review status: criteria provided, multiple submitters, no conflicts (2 of 4 stars). 3 submissions from 3 submitters: Uncertain significance (3). Last evaluated 2025-11-16.

Conditions:
Hereditary nonpolyposis colorectal neoplasms. Identifiers: MedGen C0009405, MeSH D003123.
Endometrial carcinoma. Also called: Endometrial carcinoma, somatic. Identifiers: MedGen C0476089, MONDO:0002447, OMIM 608089, HP:0012114.
Hereditary cancer-predisposing syndrome. Also called: Hereditary neoplastic syndrome; Neoplastic Syndromes, Hereditary; Tumor predisposition; Hereditary Cancer Syndrome. Identifiers: Orphanet 140162, MedGen C0027672, MeSH D009386, MONDO:0015356.

Allele frequency attached by ClinVar (database versions not stated): TOPMed below 0.00001.

Submissions (3):

Labcorp Genetics (formerly Invitae), Labcorp
Classification: Uncertain significance for Hereditary nonpolyposis colorectal neoplasms. Last evaluated: 2025-11-16. Review status: criteria provided, single submitter. Criteria: Invitae Variant Classification Sherloc (09022015). Collection method: clinical testing. Allele origin: germline.
Comment: This sequence change replaces proline, which is neutral and non-polar, with serine, which is neutral and polar, at codon 1278 of the MSH6 protein (p.Pro1278Ser). This variant is not present in population databases (gnomAD no frequency). This variant has not been reported in the literature in individuals affected with MSH6-related conditions. ClinVar contains an entry for this variant (Variation ID: 565340). Invitae Evidence Modeling of protein sequence and biophysical properties (such as structural, functional, and spatial information, amino acid conservation, physicochemical variation, residue mobility, and thermodynamic stability) indicates that this missense variant is not expected to disrupt MSH6 protein function with a negative predictive value of 95%. In summary, the available evidence is currently insufficient to determine the role of this variant in disease. Therefore, it has been classified as a Variant of Uncertain Significance.

Ambry Genetics
Classification: Uncertain significance for Hereditary cancer-predisposing syndrome. Last evaluated: 2025-04-23. Review status: criteria provided, single submitter. Criteria: Ambry Variant Classification Scheme 2023. Collection method: clinical testing. Allele origin: germline.
Comment: The p.P1278S variant (also known as c.3832C>T), located in coding exon 9 of the MSH6 gene, results from a C to T substitution at nucleotide position 3832. The proline at codon 1278 is replaced by serine, an amino acid with similar properties. This amino acid position is highly conserved in available vertebrate species. In addition, this alteration is predicted to be deleterious by in silico analysis. Since supporting evidence is limited at this time, the clinical significance of this alteration remains unclear.

Baylor Genetics
Classification: Uncertain significance for Endometrial carcinoma. Last evaluated: 2023-07-13. Review status: criteria provided, single submitter. Criteria: ACMG Guidelines, 2015. Collection method: clinical testing. Allele origin: unknown.

NM_000179.3(MSH6):c.3832C>T (p.Pro1278Ser)

Gene: MSH6 (mutS homolog 6; plus strand). Cytogenetic location: 2p16.3.
Variant type: single nucleotide variant.
Coding change: c.3832C>T on transcript NM_000179.3 (MANE Select); coding-DNA position 3832, C replaced by T.
Protein change: p.Pro1278Ser; replaces proline 1278 with serine.
Molecular consequence: missense variant.
Genome position (GRCh38, 1-based): chr2:47,806,482, C>T. VCF-style: chr2-47806482-C-T. GRCh37 (hg19) VCF-style: chr2-48033621-C-T.
Other names: c.3442C>T, p.Pro1148Ser (NM_001281492.2); c.2926C>T, p.Pro976Ser (NM_001281493.2, NM_001281494.2); short protein forms P1278S, P976S, P1148S.
Identifiers: ClinVar variation 565340 (VCV000565340.16), dbSNP rs587782109, ClinGen allele CA346761278.